The following is an entry in ClinVar:

ClinVar aggregate classification (germline): Uncertain significance (1 of 4 stars; one submission).

Conditions:
Tay-Sachs disease (TSD). Also called: GM2 gangliosidosis, type 1; Hexosaminidase alpha-subunit deficiency (variant B); Sphingolipidosis, Tay-Sachs; Hexosaminidase A Deficiency; HEXA DEFICIENCY; HEXA Disorders. Identifiers: Orphanet 845, MedGen C0039373, MONDO:0010100, OMIM 272800.

gnomAD v4.1: 1 of 1,605,842 alleles (0.000062%); no homozygotes.

Submission:

Labcorp Genetics (formerly Invitae), Labcorp
Classification: Uncertain significance for Tay-Sachs disease. Last evaluated: 2022-05-04. Review status: criteria provided, single submitter. Criteria: Invitae Variant Classification Sherloc (09022015). Collection method: clinical testing. Allele origin: germline.
Comment: This sequence change replaces glutamic acid, which is acidic and polar, with glutamine, which is neutral and polar, at codon 220 of the HEXA protein (p.Glu220Gln). This variant is not present in population databases (gnomAD no frequency). This variant has not been reported in the literature in individuals affected with HEXA-related conditions. Algorithms developed to predict the effect of missense changes on protein structure and function output the following: SIFT: "Deleterious"; PolyPhen-2: "Benign"; Align-GVGD: "Class C0". The glutamine amino acid residue is found in multiple mammalian species, which suggests that this missense change does not adversely affect protein function. In summary, the available evidence is currently insufficient to determine the role of this variant in disease. Therefore, it has been classified as a Variant of Uncertain Significance.

NM_000520.6(HEXA):c.658G>C (p.Glu220Gln)

Gene: HEXA (hexosaminidase subunit alpha; minus strand). Cytogenetic location: 15q23.
Variant type: single nucleotide variant.
Coding change: c.658G>C on transcript NM_000520.6 (MANE Select); coding-DNA position 658, G replaced by C.
Protein change: p.Glu220Gln; replaces glutamic acid 220 with glutamine.
Molecular consequence: missense variant. On other transcripts: non-coding transcript variant (1).
Genome position (GRCh38, 1-based): chr15:72,351,147, C>G on the plus strand (G>C on the coding strand, the complement: HEXA is on the minus strand). VCF-style: chr15-72351147-C-G. GRCh37 (hg19) VCF-style: chr15-72643488-C-G.
Other names: c.691G>C, p.Glu231Gln (NM_001318825.2); short protein forms E220Q, E231Q.
Identifiers: ClinVar variation 2133598 (VCV002133598.4), dbSNP rs2542528069, ClinGen allele CA393063465.